The following is an entry in ClinVar:

NM_020988.3(GNAO1):c.497C>T (p.Ala166Val)

Gene: GNAO1 (G protein subunit alpha o1; plus strand). Cytogenetic location: 16q13.
Variant type: single nucleotide variant.
Coding change: c.497C>T on transcript NM_020988.3 (MANE Select); coding-DNA position 497, C replaced by T.
Protein change: p.Ala166Val; replaces alanine 166 with valine.
Molecular consequence: missense variant.
Genome position (GRCh38, 1-based): chr16:56,334,761, C>T. VCF-style: chr16-56334761-C-T. GRCh37 (hg19) VCF-style: chr16-56368673-C-T.
Other names: c.497C>T, p.Ala166Val (NM_138736.3); short protein forms A166V.
Identifiers: ClinVar variation 2799386 (VCV002799386.3), dbSNP rs2506871790, ClinGen allele CA395951439.

ClinVar aggregate classification (germline): Uncertain significance (1 of 4 stars; one submission).

Conditions:
Early-infantile DEE. Also called: Early infantile epileptic encephalopathy; Early infantile epileptic encephalopathy with suppression bursts; Ohtahara syndrome. Identifiers: Orphanet 1934, MedGen C0393706, MONDO:0800491.

Submission:

Labcorp Genetics (formerly Invitae), Labcorp
Classification: Uncertain significance for Early-infantile DEE. Last evaluated: 2024-02-23. Review status: criteria provided, single submitter. Criteria: Invitae Variant Classification Sherloc (09022015). Collection method: clinical testing. Allele origin: germline.
Comment: This sequence change replaces alanine, which is neutral and non-polar, with valine, which is neutral and non-polar, at codon 166 of the GNAO1 protein (p.Ala166Val). This variant is not present in population databases (gnomAD no frequency). This variant has not been reported in the literature in individuals affected with GNAO1-related conditions. Advanced modeling of protein sequence and biophysical properties (such as structural, functional, and spatial information, amino acid conservation, physicochemical variation, residue mobility, and thermodynamic stability) performed at Invitae indicates that this missense variant is not expected to disrupt GNAO1 protein function with a negative predictive value of 80%. In summary, the available evidence is currently insufficient to determine the role of this variant in disease. Therefore, it has been classified as a Variant of Uncertain Significance.